The following is an entry in ClinVar:

ClinVar aggregate classification (germline): Uncertain significance. Review status: criteria provided, multiple submitters, no conflicts (2 of 4 stars). 2 submissions from 2 submitters: Uncertain significance (2). Last evaluated 2024-04-29.

Conditions:
Hereditary cancer-predisposing syndrome. Also called: Tumor predisposition; Hereditary neoplastic syndrome; Hereditary Cancer Syndrome; Neoplastic Syndromes, Hereditary. Identifiers: Orphanet 140162, MedGen C0027672, MeSH D009386, MONDO:0015356.
Ataxia-telangiectasia syndrome (AT). Also called: Ataxia-telangiectasia; LOUIS-BAR SYNDROME; AT, COMPLEMENTATION GROUP C; Ataxia-telangiectasia, complementation group E; Ataxia telangiectasia (A-T); Cerebello-oculocutaneous telangiectasia. Identifiers: Orphanet 100, MedGen C0004135, MONDO:0008840, OMIM 208900.

Submissions (2):

Labcorp Genetics (formerly Invitae), Labcorp
Classification: Uncertain significance for Ataxia-telangiectasia syndrome. Last evaluated: 2024-04-29. Review status: criteria provided, single submitter. Criteria: Invitae Variant Classification Sherloc (09022015). Collection method: clinical testing. Allele origin: germline.
Comment: This sequence change replaces asparagine, which is neutral and polar, with histidine, which is basic and polar, at codon 856 of the ATM protein (p.Asn856His). This variant is not present in population databases (gnomAD no frequency). This variant has not been reported in the literature in individuals affected with ATM-related conditions. ClinVar contains an entry for this variant (Variation ID: 1448440). An algorithm developed to predict the effect of missense changes on protein structure and function (PolyPhen-2) suggests that this variant is likely to be tolerated. In summary, the available evidence is currently insufficient to determine the role of this variant in disease. Therefore, it has been classified as a Variant of Uncertain Significance.

Ambry Genetics
Classification: Uncertain significance for Hereditary cancer-predisposing syndrome. Last evaluated: 2021-02-25. Review status: criteria provided, single submitter. Criteria: Ambry Variant Classification Scheme 2023. Collection method: clinical testing. Allele origin: germline.
Comment: The p.N856H variant (also known as c.2566A>C), located in coding exon 16 of the ATM gene, results from an A to C substitution at nucleotide position 2566. The asparagine at codon 856 is replaced by histidine, an amino acid with similar properties. This amino acid position is poorly conserved in available vertebrate species. In addition, this alteration is predicted to be tolerated by in silico analysis. Since supporting evidence is limited at this time, the clinical significance of this alteration remains unclear.

NM_000051.4(ATM):c.2566A>C (p.Asn856His)

Gene: ATM (ATM serine/threonine kinase; plus strand). Cytogenetic location: 11q22.3.
Variant type: single nucleotide variant.
Coding change: c.2566A>C on transcript NM_000051.4 (MANE Select); coding-DNA position 2566, A replaced by C.
Protein change: p.Asn856His; replaces asparagine 856 with histidine.
Molecular consequence: missense variant.
Genome position (GRCh38, 1-based): chr11:108,267,270, A>C. VCF-style: chr11-108267270-A-C. GRCh37 (hg19) VCF-style: chr11-108137997-A-C.
Other names: c.2566A>C, p.Asn856His (NM_001351834.2); short protein forms N856H.
Identifiers: ClinVar variation 1448440 (VCV001448440.10), dbSNP rs774757757, ClinGen allele CA382543825.